The following is an entry in ClinVar:

ClinVar aggregate classification (germline): Uncertain significance. Review status: criteria provided, multiple submitters, no conflicts (2 of 4 stars). 2 submissions from 2 submitters: Uncertain significance (2). Last evaluated 2025-05-21.

Conditions:
Hereditary cancer-predisposing syndrome. Also called: Hereditary Cancer Syndrome; Tumor predisposition; Hereditary neoplastic syndrome; Neoplastic Syndromes, Hereditary. Identifiers: Orphanet 140162, MedGen C0027672, MeSH D009386, MONDO:0015356.
EGFR-related lung cancer (EGFR). Identifiers: MedGen CN130014.

Allele frequency attached by ClinVar (database versions not stated): gnomAD exomes below 0.00001 and 0.00001; ExAC 0.00001; gnomAD 0.00001.
gnomAD v4.1: 8 of 1,614,046 alleles (0.0005%); highest among the groups gnomAD compares: Admixed American, 0.0017%; no homozygotes.

Submissions (2):

Ambry Genetics
Classification: Uncertain significance for Hereditary cancer-predisposing syndrome. Last evaluated: 2025-05-21. Review status: criteria provided, single submitter. Criteria: Ambry Variant Classification Scheme 2023. Collection method: clinical testing. Allele origin: germline.
Comment: The p.N996S variant (also known as c.2987A>G), located in coding exon 25 of the EGFR gene, results from an A to G substitution at nucleotide position 2987. The asparagine at codon 996 is replaced by serine, an amino acid with highly similar properties. This amino acid position is conserved. In addition, this alteration is predicted to be tolerated by in silico analysis. Based on the available evidence, the clinical significance of this variant remains unclear.

Labcorp Genetics (formerly Invitae), Labcorp
Classification: Uncertain significance for EGFR-related lung cancer. Last evaluated: 2025-05-18. Review status: criteria provided, single submitter. Criteria: Invitae Variant Classification Sherloc (09022015). Collection method: clinical testing. Allele origin: germline.
Comment: This sequence change replaces asparagine, which is neutral and polar, with serine, which is neutral and polar, at codon 996 of the EGFR protein (p.Asn996Ser). This variant is present in population databases (rs762795214, gnomAD 0.002%). This variant has not been reported in the literature in individuals affected with EGFR-related conditions. ClinVar contains an entry for this variant (Variation ID: 1044247). Invitae Evidence Modeling of protein sequence and biophysical properties (such as structural, functional, and spatial information, amino acid conservation, physicochemical variation, residue mobility, and thermodynamic stability) indicates that this missense variant is not expected to disrupt EGFR protein function with a negative predictive value of 80%. In summary, the available evidence is currently insufficient to determine the role of this variant in disease. Therefore, it has been classified as a Variant of Uncertain Significance.

NM_005228.5(EGFR):c.2987A>G (p.Asn996Ser)

Gene: EGFR (epidermal growth factor receptor; plus strand). Cytogenetic location: 7p11.2.
Variant type: single nucleotide variant.
Coding change: c.2987A>G on transcript NM_005228.5 (MANE Select); coding-DNA position 2987, A replaced by G.
Protein change: p.Asn996Ser; replaces asparagine 996 with serine.
Molecular consequence: missense variant.
Genome position (GRCh38, 1-based): chr7:55,201,228, A>G. VCF-style: chr7-55201228-A-G. GRCh37 (hg19) VCF-style: chr7-55268921-A-G.
Other names: c.2987A>G (NM_005228.3); c.2852A>G, p.Asn951Ser (NM_001346897.2, NM_001346899.2); c.2987A>G, p.Asn996Ser (NM_001346898.2); c.2828A>G, p.Asn943Ser (NM_001346900.2); c.2186A>G, p.Asn729Ser (NM_001346941.2); short protein forms N729S, N943S, N951S, N996S.
Identifiers: ClinVar variation 1044247 (VCV001044247.9), dbSNP rs762795214, ClinGen allele CA4266233.